The following is an entry in ClinVar:

ClinVar aggregate classification (germline): Uncertain significance (1 of 4 stars; one submission).

Conditions:
Glycine encephalopathy. Also called: Non-ketotic hyperglycinemia; Nonketotic hyperglycinemia. Identifiers: Orphanet 407, MedGen C0751748, MONDO:0011612, HP:0008288.

Allele frequency attached by ClinVar (database versions not stated): TOPMed below 0.00001.

Submission:

Labcorp Genetics (formerly Invitae), Labcorp
Classification: Uncertain significance for Glycine encephalopathy. Last evaluated: 2022-09-27. Review status: criteria provided, single submitter. Criteria: Invitae Variant Classification Sherloc (09022015). Collection method: clinical testing. Allele origin: germline.
Comment: This sequence change replaces leucine, which is neutral and non-polar, with phenylalanine, which is neutral and non-polar, at codon 402 of the AMT protein (p.Leu402Phe). This variant is not present in population databases (gnomAD no frequency). This variant has not been reported in the literature in individuals affected with AMT-related conditions. Advanced modeling of protein sequence and biophysical properties (such as structural, functional, and spatial information, amino acid conservation, physicochemical variation, residue mobility, and thermodynamic stability) performed at Invitae indicates that this missense variant is not expected to disrupt AMT protein function. In summary, the available evidence is currently insufficient to determine the role of this variant in disease. Therefore, it has been classified as a Variant of Uncertain Significance.

NM_000481.4(AMT):c.1204C>T (p.Leu402Phe)

Gene: AMT (aminomethyltransferase; minus strand). Cytogenetic location: 3p21.31.
Variant type: single nucleotide variant.
Coding change: c.1204C>T on transcript NM_000481.4 (MANE Select); coding-DNA position 1204, C replaced by T.
Protein change: p.Leu402Phe; replaces leucine 402 with phenylalanine.
Molecular consequence: missense variant. On other transcripts: non-coding transcript variant (1), intron variant (1).
Genome position (GRCh38, 1-based): chr3:49,417,548, G>A on the plus strand (C>T on the coding strand, the complement: AMT is on the minus strand). VCF-style: chr3-49417548-G-A. GRCh37 (hg19) VCF-style: chr3-49454981-G-A.
Other names: c.1072C>T, p.Leu358Phe (NM_001164710.2); c.1036C>T, p.Leu346Phe (NM_001164711.2); c.1137+67C>T (NM_001164712.2); short protein forms L346F, L358F, L402F.
Identifiers: ClinVar variation 1931073 (VCV001931073.2), dbSNP rs2049018724, ClinGen allele CA352788404.